The following is an entry in ClinVar:

NM_001365276.2(TNXB):c.10193T>G (p.Val3398Gly)

Gene: TNXB (tenascin XB; minus strand). Cytogenetic location: 6p21.33.
Variant type: single nucleotide variant.
Coding change: c.10193T>G on transcript NM_001365276.2 (MANE Select); coding-DNA position 10193, T replaced by G.
Protein change: p.Val3398Gly; replaces valine 3398 with glycine.
Molecular consequence: missense variant.
Genome position (GRCh38, 1-based): chr6:32,047,865, A>C on the plus strand (T>G on the coding strand, the complement: TNXB is on the minus strand). VCF-style: chr6-32047865-A-C. GRCh37 (hg19) VCF-style: chr6-32015642-A-C.
Other names: c.10187T>G, p.Val3396Gly (NM_019105.8); short protein forms V3396G, V3398G.
Identifiers: ClinVar variation 2446947 (VCV002446947.2), dbSNP rs1776993665, ClinGen allele CA363531607.

ClinVar aggregate classification (germline): Uncertain significance (1 of 4 stars; one submission).

Conditions:
Cardiovascular phenotype. Identifiers: MedGen CN230736.

Allele frequency attached by ClinVar (database versions not stated): TOPMed below 0.00001; gnomAD 0.00001.
gnomAD v4.1: 1 of 1,612,200 alleles (0.000062%); highest among the groups gnomAD compares: African/African-American, 0.0013%; no homozygotes.

Submission:

Ambry Genetics
Classification: Uncertain significance for Cardiovascular phenotype. Last evaluated: 2022-11-02. Review status: criteria provided, single submitter. Criteria: Ambry Variant Classification Scheme 2023. Collection method: clinical testing. Allele origin: germline.
Comment: The p.V3396G variant (also known as c.10187T>G), located in coding exon 29 of the TNXB gene, results from a T to G substitution at nucleotide position 10187. The valine at codon 3396 is replaced by glycine, an amino acid with dissimilar properties. This amino acid position is conserved. In addition, this alteration is predicted to be tolerated by in silico analysis. Since supporting evidence is limited at this time, the clinical significance of this alteration remains unclear.